The following is an entry in ClinVar:

NM_033109.5(PNPT1):c.1142A>G (p.His381Arg)

Gene: PNPT1 (polyribonucleotide nucleotidyltransferase 1; minus strand). Cytogenetic location: 2p16.1.
Variant type: single nucleotide variant.
Coding change: c.1142A>G on transcript NM_033109.5 (MANE Select); coding-DNA position 1142, A replaced by G.
Protein change: p.His381Arg; replaces histidine 381 with arginine.
Molecular consequence: missense variant.
Genome position (GRCh38, 1-based): chr2:55,667,025, T>C on the plus strand (A>G on the coding strand, the complement: PNPT1 is on the minus strand). VCF-style: chr2-55667025-T-C. GRCh37 (hg19) VCF-style: chr2-55894160-T-C.
Other names: short protein forms H381R.
Identifiers: ClinVar variation 2650949 (VCV002650949.24), dbSNP rs2529556780, ClinGen allele CA346928629.
Genomic context (GRCh38, chr2:55,667,025, plus strand): 5'-TAATTAGAGCTTTTTATATAAATTACCTGTGTTTGTCCTCTTTGAAATAATGCTGATCCA[T>C]GAAGGGTTTTAAACATATCTACCTCACAACTTACATTCCTAAGTGAAGTCAAATCCCGAC-3'
Protein context (NP_149100.2, residues 371-391): SCEVDMFKTL[His381Arg]GSALFQRGQT

ClinVar aggregate classification (germline): Uncertain significance (1 of 4 stars; one submission).

Submission:

CeGaT Center for Human Genetics Tuebingen
Classification: Uncertain significance. Last evaluated: 2023-01-01. Review status: criteria provided, single submitter. Criteria: CeGaT Center For Human Genetics Tuebingen Variant Classification Criteria Version 2. Collection method: clinical testing. Allele origin: germline. Affected: yes. Observed: 1 variant allele.
Comment: PNPT1: PM2, PP3